The following is an entry in ClinVar:

NM_182894.3(VSX2):c.1013AGG[3] (p.Glu341del)

Gene: VSX2 (visual system homeobox 2; plus strand). Cytogenetic location: 14q24.3.
Variant type: Microsatellite.
Coding change: c.1013AGG[3] on transcript NM_182894.3 (MANE Select); three copies in a row of the 3-base unit AGG starting at c.1013; the reference has four copies in a row; one copy, 3 bases deleted.
Protein change: p.Glu341del; deletes glutamic acid 341.
Molecular consequence: inframe deletion.
Genome position (GRCh38, 1-based): chr14:74,260,855-74,260,857, AGG deleted; deleting any 3 consecutive bases within chr14:74,260,845-74,260,857 gives the same sequence; the position shown is the placement nearest the transcript's 3' end. VCF-style (leftmost placement, unchanged base first): chr14-74260844-AGAG-A. GRCh37 (hg19) VCF-style: chr14-74727547-AGAG-A.
Other names: short protein forms E341del.
Identifiers: ClinVar variation 574909 (VCV000574909.8), dbSNP rs144220788, ClinGen allele CA615192781.

ClinVar aggregate classification (germline): Uncertain significance (1 of 4 stars; one submission).

Conditions:
Isolated microphthalmia 2. Identifiers: Orphanet 2542, MedGen C1864720, MONDO:0012409, OMIM 610093.

Submission:

Labcorp Genetics (formerly Invitae), Labcorp
Classification: Uncertain significance for Isolated microphthalmia 2. Last evaluated: 2018-04-18. Review status: criteria provided, single submitter. Criteria: Invitae Variant Classification Sherloc (09022015). Collection method: clinical testing. Allele origin: germline.
Comment: This variant is not present in population databases (ExAC no frequency). This variant, c.1022_1024delAGG, results in the deletion of 1 amino acid of the VSX2 protein (p.Glu341del), but otherwise preserves the integrity of the reading frame. This variant has not been reported in the literature in individuals with VSX2-related disease. In summary, the available evidence is currently insufficient to determine the role of this variant in disease. Therefore, it has been classified as a Variant of Uncertain Significance. Experimental studies and prediction algorithms are not available for this variant, and the functional significance of the deleted amino acid is currently unknown.